The following is an entry in ClinVar:

ClinVar aggregate classification (germline): Uncertain significance. Review status: criteria provided, multiple submitters, no conflicts (2 of 4 stars). 3 submissions from 3 submitters: Uncertain significance (3). Last evaluated 2026-07-07.

Conditions:
Inborn genetic diseases. Identifiers: MedGen C0950123, MeSH D030342.
Wilms tumor 1 (WT1). Also called: Wilms tumor, somatic. Identifiers: Orphanet 654, MedGen CN033288, MONDO:0008679, OMIM 194070.
11p partial monosomy syndrome (WAGR). Also called: WAGR syndrome; WAGR Complex; CHROMOSOME 11p13 DELETION SYNDROME; WAGR Spectrum Disorder. Identifiers: Orphanet 893, MedGen C0206115, MONDO:0008681, OMIM 194072.
Drash syndrome (DDS). Also called: WILMS TUMOR AND PSEUDO- OR TRUE HERMAPHRODITISM; NEPHROPATHY, WILMS TUMOR, AND GENITAL ANOMALIES. Identifiers: Orphanet 220, MedGen C0950121, MONDO:0008682, OMIM 194080.
Frasier syndrome. Identifiers: Orphanet 347, MedGen C0950122, MeSH D052159, MONDO:0007635, OMIM 136680.

Allele frequency attached by ClinVar (database versions not stated): gnomAD exomes 0.00001; TOPMed below 0.00001.

Submissions (3):

Ambry Genetics
Classification: Uncertain significance for Inborn genetic diseases. Last evaluated: 2026-07-07. Review status: criteria provided, single submitter. Criteria: Ambry Variant Classification Scheme 2023. Collection method: clinical testing. Allele origin: germline.
Comment: The p.A236T variant (also known as c.706G>A), located in coding exon 2 of the WT1 gene, results from a G to A substitution at nucleotide position 706. The alanine at codon 236 is replaced by threonine, an amino acid with similar properties. This amino acid position is conserved. In addition, this alteration is predicted to be tolerated by in silico analysis. Based on the available evidence, the clinical significance of this variant remains unclear.

GeneDx
Classification: Uncertain significance. Last evaluated: 2024-01-23. Review status: criteria provided, single submitter. Criteria: GeneDx Variant Classification Process June 2021. Collection method: clinical testing. Allele origin: germline. Affected: yes.
Comment: Not observed at significant frequency in large population cohorts (gnomAD); In silico analysis supports that this missense variant does not alter protein structure/function; Has not been previously published as pathogenic or benign to our knowledge; This variant is associated with the following publications: (PMID: 8486616)

Labcorp Genetics (formerly Invitae), Labcorp
Classification: Uncertain significance for Wilms tumor 1; Drash syndrome; 11p partial monosomy syndrome; Frasier syndrome. Last evaluated: 2021-02-02. Review status: criteria provided, single submitter. Criteria: Invitae Variant Classification Sherloc (09022015). Collection method: clinical testing. Allele origin: germline.
Comment: In summary, the available evidence is currently insufficient to determine the role of this variant in disease. Therefore, it has been classified as a Variant of Uncertain Significance. This sequence change replaces alanine with threonine at codon 236 of the WT1 protein (p.Ala236Thr). The alanine residue is highly conserved and there is a small physicochemical difference between alanine and threonine. This variant is not present in population databases (ExAC no frequency). This variant has not been reported in the literature in individuals with WT1-related conditions. Algorithms developed to predict the effect of missense changes on protein structure and function are either unavailable or do not agree on the potential impact of this missense change (SIFT: "Deleterious"; PolyPhen-2: "Benign"; Align-GVGD: "Class C0").

NM_024426.6(WT1):c.721G>A (p.Ala241Thr)

Gene: WT1 (WT1 transcription factor; minus strand). Cytogenetic location: 11p13.
Variant type: single nucleotide variant.
Coding change: c.721G>A on transcript NM_024426.6 (MANE Select); coding-DNA position 721, G replaced by A.
Protein change: p.Ala241Thr; replaces alanine 241 with threonine.
Molecular consequence: missense variant. On other transcripts: non-coding transcript variant (1).
Genome position (GRCh38, 1-based): chr11:32,428,560, C>T on the plus strand (G>A on the coding strand, the complement: WT1 is on the minus strand). VCF-style: chr11-32428560-C-T. GRCh37 (hg19) VCF-style: chr11-32450106-C-T.
Other names: c.721G>A, p.Ala241Thr (NM_000378.6, NM_001407044.1, NM_001407045.1 and 4 more transcripts); c.70G>A, p.Ala24Thr (NM_001198551.2, NM_001198552.2); c.-42G>A (NM_001407051.1); c.706G>A, p.Ala236Thr (NM_024425.2); c.706G>A (NM_024426.4); short protein forms A241T, A24T, A236T.
Identifiers: ClinVar variation 1403098 (VCV001403098.11), dbSNP rs1853145802, ClinGen allele CA379963429.
Genomic context (GRCh38, chr11:32,428,560, plus strand): 5'-GCGAGCCCTGCTGGCCCATGGGATCCTCATGCTTGAATGAGTGGTTGGGGAACTGCGCCG[C>T]ATGGTGCGAGGGCGTGTGACCGTAGCTGGGCGTCCCGTCGAAGGTGACCGTGCTGTAACC-3'
Protein context (NP_077744.4, residues 231-251): PSYGHTPSHH[Ala241Thr]AQFPNHSFKH